The following is an entry in ClinVar:

ClinVar aggregate classification (germline): Likely benign (1 of 4 stars; one submission).

Conditions:
EXPH5-related disorder. Also called: EXPH5-related condition.

gnomAD v4.1: 747 of 1,613,446 alleles (0.046%); highest among the groups gnomAD compares: South Asian, 0.74%; 8 homozygotes.

Submission:

PreventionGenetics, part of Exact Sciences
Classification: Likely benign for EXPH5-related condition. Last evaluated: 2026-01-20. Review status: criteria provided, single submitter. Criteria: ACMG Guidelines, 2015. Collection method: clinical testing. Allele origin: germline.
Comment: This variant is classified as likely benign based on ACMG/AMP sequence variant interpretation guidelines (Richards et al. 2015 PMID: 25741868, with internal and published modifications).

NM_015065.3(EXPH5):c.198A>G (p.Lys66=)

Gene: EXPH5 (exophilin 5; minus strand). Cytogenetic location: 11q22.3.
Variant type: single nucleotide variant.
Coding change: c.198A>G on transcript NM_015065.3 (MANE Select); coding-DNA position 198, A replaced by G.
Protein change: p.Lys66=; no amino-acid change (lysine 66 retained).
Molecular consequence: synonymous variant. On other transcripts: 5 prime UTR variant (11).
Genome position (GRCh38, 1-based): chr11:108,541,734, T>C on the plus strand (A>G on the coding strand, the complement: EXPH5 is on the minus strand). VCF-style: chr11-108541734-T-C. GRCh37 (hg19) VCF-style: chr11-108412461-T-C.
Other names: c.-31A>G (NM_001144763.2, NM_001441061.1, NM_001441067.1 and 8 more transcripts); c.177A>G, p.Lys59= (NM_001308019.2, NM_001441060.1); c.198A>G, p.Lys66= (NM_001441059.1).
Identifiers: ClinVar variation 4979588 (VCV004979588.1).